The following is an entry in ClinVar:

ClinVar aggregate classification (germline): Likely benign. Review status: criteria provided, multiple submitters, no conflicts (2 of 4 stars). 2 submissions from 2 submitters: Likely benign (2). Last evaluated 2025-07-02.

Allele frequency attached by ClinVar (database versions not stated): gnomAD exomes 0.00001 and 0.00007; ExAC 0.00003; gnomAD 0.00004; TOPMed 0.00009; 1000 Genomes Project 0.00020; 1000 Genomes Project 30x 0.00031.

Submissions (2):

Labcorp Genetics (formerly Invitae), Labcorp
Classification: Likely benign. Last evaluated: 2025-07-02. Review status: criteria provided, single submitter. Criteria: Invitae Variant Classification Sherloc (09022015). Collection method: clinical testing. Allele origin: germline.

CeGaT Center for Human Genetics Tuebingen
Classification: Likely benign. Last evaluated: 2024-01-01. Review status: criteria provided, single submitter. Criteria: CeGaT Center For Human Genetics Tuebingen Variant Classification Criteria Version 2. Collection method: clinical testing. Allele origin: germline. Affected: yes. Observed: 1 variant allele.
Comment: SP7: BP4, BP7

NM_001173467.3(SP7):c.90T>C (p.Ser30=)

Gene: SP7 (Sp7 transcription factor; minus strand). Cytogenetic location: 12q13.13.
Variant type: single nucleotide variant.
Coding change: c.90T>C on transcript NM_001173467.3 (MANE Select); coding-DNA position 90, T replaced by C.
Protein change: p.Ser30=; no amino-acid change (serine 30 retained).
Molecular consequence: synonymous variant.
Genome position (GRCh38, 1-based): chr12:53,329,352, A>G on the plus strand (T>C on the coding strand, the complement: SP7 is on the minus strand). VCF-style: chr12-53329352-A-G. GRCh37 (hg19) VCF-style: chr12-53723136-A-G.
Other names: c.36T>C, p.Ser12= (NM_001300837.2); c.90T>C, p.Ser30= (NM_152860.2).
Identifiers: ClinVar variation 1664512 (VCV001664512.30), dbSNP rs201020092, ClinGen allele CA6599618.